The following is an entry in ClinVar:

NM_001048174.2(MUTYH):c.376C>T (p.Gln126Ter)

Gene: MUTYH (mutY DNA glycosylase; minus strand). Cytogenetic location: 1p34.1.
Variant type: single nucleotide variant.
Coding change: c.376C>T on transcript NM_001048174.2 (MANE Select); coding-DNA position 376, C replaced by T.
Protein change: p.Gln126Ter; replaces glutamine 126 with a stop codon.
Molecular consequence: nonsense. On other transcripts: non-coding transcript variant (6), intron variant (3).
Genome position (GRCh38, 1-based): chr1:45,333,099, G>A on the plus strand (C>T on the coding strand, the complement: MUTYH is on the minus strand). VCF-style: chr1-45333099-G-A. GRCh37 (hg19) VCF-style: chr1-45798771-G-A.
Other names: c.376C>T, p.Gln126Ter (NM_001048171.2, NM_001048173.2, NM_001407080.1 and 6 more transcripts); c.379C>T, p.Gln127Ter (NM_001048172.2, NM_001407079.1, NM_001407086.1 and 2 more transcripts); c.460C>T, p.Gln154Ter (NM_001128425.2); c.421C>T, p.Gln141Ter (NM_001293190.2); c.409C>T, p.Gln137Ter (NM_001293191.2, NM_001407077.1); c.100C>T, p.Gln34Ter (NM_001293192.2, NM_001407091.1, NM_001293196.2); c.418C>T, p.Gln140Ter (NM_001407083.1, NM_001407085.1, NM_001407073.1); c.397C>T, p.Gln133Ter (NM_001407087.1); and 3 more; short protein forms Q126*, Q127*, Q133*, Q137*, Q140*, Q141*, Q151*, Q154*.
Identifiers: ClinVar variation 2676902 (VCV002676902.4), dbSNP rs2149164413, ClinGen allele CA340136065.
Genomic context (GRCh38, chr1:45,333,099, plus strand): 5'-GTAGAGGCTCTCATCTGGGGTCTGACCCATGACCCTTCCCTTCCTCCCCTGGAGTCACCT[G>A]CATCCATCCGGTATAGTAGTTGATCACAGTGGCAACCTGGGTCTGCTGCAGCATGACCTC-3'

ClinVar aggregate classification (germline): Pathogenic/Likely pathogenic. Review status: criteria provided, multiple submitters, no conflicts (2 of 4 stars). 3 submissions from 3 submitters: Pathogenic (1); Likely pathogenic (2). Last evaluated 2024-07-02.

Conditions:
Familial adenomatous polyposis 2. Also called: Adenomas, multiple colorectal; MUTYH Polyposis; COLORECTAL ADENOMATOUS POLYPOSIS, AUTOSOMAL RECESSIVE; ADENOMAS, MULTIPLE COLORECTAL, AUTOSOMAL RECESSIVE; MUTYH-associated polyposis; MUTYH-related attenuated familial adenomatous polyposis. Identifiers: Orphanet 220460, Orphanet 247798, MedGen C3272841, MONDO:0012041, OMIM 608456.
Gastric cancer. Also called: Stomach cancer; Malignant tumor of stomach. Identifiers: MedGen C0024623, MeSH D013274, MONDO:0001056, OMIM 613659, HP:0012126.
Hereditary cancer-predisposing syndrome. Also called: Neoplastic Syndromes, Hereditary; Tumor predisposition; Hereditary Cancer Syndrome; Hereditary neoplastic syndrome. Identifiers: Orphanet 140162, MedGen C0027672, MeSH D009386, MONDO:0015356.

Submissions (3):

Color Diagnostics, LLC DBA Color Health
Classification: Pathogenic for Hereditary cancer-predisposing syndrome. Last evaluated: 2024-07-02. Review status: criteria provided, single submitter. Criteria: ACMG Guidelines, 2015. Collection method: clinical testing. Allele origin: germline.
Comment: This variant changes 1 nucleotide in exon 5/16 of the MUTYH gene, creating a premature translation stop signal. This variant is expected to result in an absent or non-functional protein product. To our knowledge, this variant has not been reported in individuals affected with MUTYH-related disorders in the literature. This variant has not been identified in the general population by the Genome Aggregation Database (gnomAD). Loss of MUTYH function is a known mechanism of disease. Based on the available evidence, this variant is classified as Pathogenic.

Baylor Genetics
Classification: Likely pathogenic for Familial adenomatous polyposis 2. Last evaluated: 2022-12-07. Review status: criteria provided, single submitter. Criteria: ACMG Guidelines, 2015. Collection method: clinical testing. Allele origin: unknown.

Juno Genomics, Hangzhou Juno Genomics, Inc
Classification: Likely pathogenic for Familial adenomatous polyposis 2; Gastric cancer. Review status: criteria provided, single submitter. Criteria: ACMG Guidelines, 2015. Collection method: clinical testing. Allele origin: germline.
Comment: Null variant in a gene where loss of function (LOF) is a known mechanism of disease.;Absent from controls (or at extremely low frequency if recessive) in Genome Aggregation Database.